The following is an entry in ClinVar:

NM_007194.4(CHEK2):c.215_216del (p.Tyr72fs)

Gene: CHEK2 (checkpoint kinase 2; minus strand). Cytogenetic location: 22q12.1.
Variant type: Deletion.
Coding change: c.215_216del on transcript NM_007194.4 (MANE Select); coding-DNA positions 215 to 216, 2 bases deleted (AT; older notation c.215_216delAT).
Protein change: p.Tyr72fs; shifts the reading frame from tyrosine 72.
Molecular consequence: frameshift variant. On other transcripts: 5 prime UTR variant (1), intron variant (1).
Genome position (GRCh38, 1-based): chr22:28,734,506-28,734,507, AT deleted on the plus strand (AT on the coding strand, the reverse complement: CHEK2 is on the minus strand); deleting any 2 consecutive bases within chr22:28,734,506-28,734,508 gives the same sequence; the c. name uses the placement nearest the transcript's 3' end. VCF-style (leftmost placement, unchanged base first): chr22-28734505-AAT-A. GRCh37 (hg19) VCF-style: chr22-29130493-AAT-A.
Other names: c.215_216del, p.Tyr72fs (NM_001005735.3, NM_001349956.3, NM_001438293.1 and 3 more transcripts); c.-563_-562del (NM_001257387.3); c.-345+7262_-345+7263del (NM_001437942.1); short protein forms Y72fs.
Identifiers: ClinVar variation 4728632 (VCV004728632.1).

ClinVar aggregate classification (germline): Pathogenic (1 of 4 stars; one submission).

Conditions:
Familial cancer of breast. Also called: Hereditary breast cancer; hereditary breast carcinoma; BREAST CANCER, FAMILIAL. Identifiers: Orphanet 227535, MedGen C0346153, MONDO:0016419, OMIM 114480. Disease mechanism: loss of function.

Submission:

Labcorp Genetics (formerly Invitae), Labcorp
Classification: Pathogenic for Familial cancer of breast. Last evaluated: 2025-10-07. Review status: criteria provided, single submitter. Criteria: Invitae Variant Classification Sherloc (09022015). Collection method: clinical testing. Allele origin: germline.
Comment: This sequence change creates a premature translational stop signal (p.Tyr72Phefs*4) in the CHEK2 gene. It is expected to result in an absent or disrupted protein product. Loss-of-function variants in CHEK2 are known to be pathogenic (PMID: 21876083, 24713400). This variant is not present in population databases (gnomAD no frequency). This variant has not been reported in the literature in individuals affected with CHEK2-related conditions. For these reasons, this variant has been classified as Pathogenic.

Literature cited by the submitters: PubMed 21876083; PubMed 24713400.